The following is an entry in ClinVar:

ClinVar aggregate classification (germline): Uncertain significance (1 of 4 stars; one submission).

Conditions:
Short-rib thoracic dysplasia 8 with or without polydactyly (SRTD8). Also called: SHORT-RIB THORACIC DYSPLASIA 8 WITH POLYDACTYLY. Identifiers: Orphanet 93271, MedGen C3809691, MONDO:0014214, OMIM 615503.

Submission:

Labcorp Genetics (formerly Invitae), Labcorp
Classification: Uncertain significance for Short-rib thoracic dysplasia 8 with or without polydactyly. Last evaluated: 2021-11-23. Review status: criteria provided, single submitter. Criteria: Invitae Variant Classification Sherloc (09022015). Collection method: clinical testing. Allele origin: germline.
Comment: In summary, the available evidence is currently insufficient to determine the role of this variant in disease. Therefore, it has been classified as a Variant of Uncertain Significance. Experimental studies and prediction algorithms are not available or were not evaluated, and the functional significance of this variant is currently unknown. This variant has not been reported in the literature in individuals affected with WDR60-related conditions. This variant is a gross deletion of the genomic region encompassing exon(s) 5 of the WDR60 gene. This variant would be expected to be in-frame, preserving the integrity of the reading frame.

NC_000007.13:g.(?_158672355)_(158672700_?)del

Gene: DYNC2I1 (dynein 2 intermediate chain 1; plus strand). Cytogenetic location: 7q36.3.
Variant type: Deletion.
Identifiers: ClinVar variation 2426420 (VCV002426420.4).